The following is an entry in ClinVar:

NM_000081.4(LYST):c.7849G>A (p.Glu2617Lys)

Gene: LYST (lysosomal trafficking regulator; minus strand). Cytogenetic location: 1q42.3.
Variant type: single nucleotide variant.
Coding change: c.7849G>A on transcript NM_000081.4 (MANE Select); coding-DNA position 7849, G replaced by A.
Protein change: p.Glu2617Lys; replaces glutamic acid 2617 with lysine.
Molecular consequence: missense variant.
Genome position (GRCh38, 1-based): chr1:235,746,459, C>T on the plus strand (G>A on the coding strand, the complement: LYST is on the minus strand). VCF-style: chr1-235746459-C-T. GRCh37 (hg19) VCF-style: chr1-235909759-C-T.
Other names: c.7849G>A, p.Glu2617Lys (NM_001301365.1); short protein forms E2617K.
Identifiers: ClinVar variation 4741719 (VCV004741719.1).

ClinVar aggregate classification (germline): Uncertain significance (1 of 4 stars; one submission).

Conditions:
Chédiak-Higashi syndrome (CHS). Also called: Chediak-Higashi Syndrome. Identifiers: Orphanet 167, MedGen C0007965, MONDO:0008963, OMIM 214500.

Submission:

Labcorp Genetics (formerly Invitae), Labcorp
Classification: Uncertain significance for Chédiak-Higashi syndrome. Last evaluated: 2025-02-10. Review status: criteria provided, single submitter. Criteria: Invitae Variant Classification Sherloc (09022015). Collection method: clinical testing. Allele origin: germline.
Comment: This sequence change replaces glutamic acid, which is acidic and polar, with lysine, which is basic and polar, at codon 2617 of the LYST protein (p.Glu2617Lys). This variant is not present in population databases (gnomAD no frequency). This variant has not been reported in the literature in individuals affected with LYST-related conditions. Invitae Evidence Modeling of protein sequence and biophysical properties (such as structural, functional, and spatial information, amino acid conservation, physicochemical variation, residue mobility, and thermodynamic stability) has been performed for this missense variant. However, the output from this modeling did not meet the statistical confidence thresholds required to predict the impact of this variant on LYST protein function. In summary, the available evidence is currently insufficient to determine the role of this variant in disease. Therefore, it has been classified as a Variant of Uncertain Significance.